The following is an entry in ClinVar:

ClinVar aggregate classification (germline): Uncertain significance (1 of 4 stars; one submission).

Conditions:
Hereditary cancer-predisposing syndrome. Also called: Neoplastic Syndromes, Hereditary; Tumor predisposition; Hereditary neoplastic syndrome; Hereditary Cancer Syndrome. Identifiers: Orphanet 140162, MedGen C0027672, MeSH D009386, MONDO:0015356.

Submission:

Ambry Genetics
Classification: Uncertain significance for Hereditary cancer-predisposing syndrome. Last evaluated: 2026-06-24. Review status: criteria provided, single submitter. Criteria: Ambry Variant Classification Scheme 2023. Collection method: clinical testing. Allele origin: germline.
Comment: The p.D1246E variant (also known as c.3738C>G), located in coding exon 30 of the TSC2 gene, results from a C to G substitution at nucleotide position 3738. The aspartic acid at codon 1246 is replaced by glutamic acid, an amino acid with highly similar properties. This amino acid position is conserved. In addition, the in silico prediction for this alteration is inconclusive. Based on the available evidence, the clinical significance of this variant remains unclear.

NM_000548.5(TSC2):c.3738C>G (p.Asp1246Glu)

Gene: TSC2 (TSC complex subunit 2; plus strand). Cytogenetic location: 16p13.3.
Variant type: single nucleotide variant.
Coding change: c.3738C>G on transcript NM_000548.5 (MANE Select); coding-DNA position 3738, C replaced by G.
Protein change: p.Asp1246Glu; replaces aspartic acid 1246 with glutamic acid.
Molecular consequence: missense variant. On other transcripts: non-coding transcript variant (5).
Genome position (GRCh38, 1-based): chr16:2,081,722, C>G. VCF-style: chr16-2081722-C-G. GRCh37 (hg19) VCF-style: chr16-2131723-C-G.
Other names: c.3606C>G, p.Asp1202Glu (NM_001077183.3, NM_001370404.1, NM_001406665.1); c.3738C>G, p.Asp1246Glu (NM_001114382.3); c.3498C>G, p.Asp1166Glu (NM_001318827.2); c.3462C>G, p.Asp1154Glu (NM_001318829.2); c.3006C>G, p.Asp1002Glu (NM_001318831.2, NM_001406687.1, NM_001406688.1); c.3639C>G, p.Asp1213Glu (NM_001318832.2); c.3609C>G, p.Asp1203Glu (NM_001363528.2, NM_021055.3, NM_001370405.1); c.3588C>G, p.Asp1196Glu (NM_001406676.1); and 18 more; short protein forms D1153E, D1199E, D1202E, D1233E, D1245E, D1154E, D1165E, D1183E.
Identifiers: ClinVar variation 5031286 (VCV005031286.1).